The following is an entry in ClinVar:

ClinVar aggregate classification (germline): Uncertain significance. Review status: criteria provided, multiple submitters, no conflicts (2 of 4 stars). 5 submissions from 5 submitters: Uncertain significance (4). 1 of the submissions does not count toward it. Last evaluated 2024-01-24.

Conditions:
Bardet-Biedl syndrome 1 (BBS1). Identifiers: MedGen C2936862, MONDO:0008854, OMIM 209900. Disease mechanism: loss of function.
BBS1-related disorder. Also called: BBS1-related condition.
Bardet-Biedl syndrome (BBS). Identifiers: Orphanet 110, MedGen C0752166, MONDO:0015229.

Allele frequency attached by ClinVar (database versions not stated): gnomAD 0.00004 and 0.00006; ExAC 0.00003; gnomAD exomes 0.00004; TOPMed 0.00003.
gnomAD v4.1: 102 of 1,614,054 alleles (0.0063%); highest among the groups gnomAD compares: Non-Finnish European, 0.0078%; no homozygotes.

Submissions (5):

Fulgent Genetics
Classification: Uncertain significance for Bardet-Biedl syndrome 1. Last evaluated: 2024-01-24. Review status: criteria provided, single submitter. Criteria: ACMG Guidelines, 2015. Collection method: clinical testing. Allele origin: germline.

Labcorp Genetics (formerly Invitae), Labcorp
Classification: Uncertain significance for Bardet-Biedl syndrome. Last evaluated: 2021-08-26. Review status: criteria provided, single submitter. Criteria: Invitae Variant Classification Sherloc (09022015). Collection method: clinical testing. Allele origin: germline.
Comment: This sequence change replaces arginine with cysteine at codon 268 of the BBS1 protein (p.Arg268Cys). The arginine residue is highly conserved and there is a large physicochemical difference between arginine and cysteine. This variant is present in population databases (rs760381850, ExAC 0.01%). This variant has not been reported in the literature in individuals affected with BBS1-related conditions. Algorithms developed to predict the effect of missense changes on protein structure and function (SIFT, PolyPhen-2, Align-GVGD) all suggest that this variant is likely to be disruptive. In summary, the available evidence is currently insufficient to determine the role of this variant in disease. Therefore, it has been classified as a Variant of Uncertain Significance.

Blueprint Genetics
Classification: Uncertain significance. Last evaluated: 2019-09-30. Review status: criteria provided, single submitter. Criteria: ACMG Guidelines, 2015. Collection method: clinical testing. Allele origin: germline.

Genetic Services Laboratory, University of Chicago
Classification: Uncertain significance. Last evaluated: 2018-09-25. Review status: criteria provided, single submitter. Criteria: ACMG Guidelines, 2015. Collection method: clinical testing. Allele origin: germline. Affected: no.

PreventionGenetics, part of Exact Sciences
Classification: Uncertain significance for BBS1-related condition. Last evaluated: 2024-05-21. Review status: no assertion criteria provided. Collection method: clinical testing. Allele origin: germline. Not counted in ClinVar's aggregate classification.
Comment: The BBS1 c.802C>T variant is predicted to result in the amino acid substitution p.Arg268Cys. To our knowledge, this variant has not been reported in the literature. However, a different variant affecting the same amino acid (p.Arg268Pro) has been reported in the compound heterozygous state in one individual with Bardet-Beidl syndrome (Estrada-Cuzcano et al. 2012. PubMed ID: 23143442). This variant is reported in 0.0056% of alleles in individuals of Latino descent in gnomAD. At this time, the clinical significance of this variant is uncertain due to the absence of conclusive functional and genetic evidence.

NM_024649.5(BBS1):c.802C>T (p.Arg268Cys)

Genes: BBS1 (Bardet-Biedl syndrome 1; plus strand), ZDHHC24 (zDHHC palmitoyltransferase 24; minus strand). Cytogenetic location: 11q13.2.
Variant type: single nucleotide variant.
Coding change: c.802C>T on transcript NM_024649.5 (MANE Select); coding-DNA position 802, C replaced by T.
Protein change: p.Arg268Cys; replaces arginine 268 with cysteine.
Molecular consequence: missense variant. On other transcripts: 3 prime UTR variant (1).
Genome position (GRCh38, 1-based): chr11:66,521,348, C>T. VCF-style: chr11-66521348-C-T. GRCh37 (hg19) VCF-style: chr11-66288819-C-T.
Other names: c.*140G>A (NM_001348571.2); short protein forms R268C.
Identifiers: ClinVar variation 1336076 (VCV001336076.11), dbSNP rs760381850, ClinGen allele CA6123500.